The following is an entry in ClinVar:

NM_001211.6(BUB1B):c.1685A>G (p.Lys562Arg)

Gene: BUB1B (BUB1 mitotic checkpoint serine/threonine kinase B; plus strand). Cytogenetic location: 15q15.1.
Variant type: single nucleotide variant.
Coding change: c.1685A>G on transcript NM_001211.6 (MANE Select); coding-DNA position 1685, A replaced by G.
Protein change: p.Lys562Arg; replaces lysine 562 with arginine.
Molecular consequence: missense variant.
Genome position (GRCh38, 1-based): chr15:40,202,645, A>G. VCF-style: chr15-40202645-A-G. GRCh37 (hg19) VCF-style: chr15-40494846-A-G.
Other names: short protein forms K562R.
Identifiers: ClinVar variation 1010703 (VCV001010703.10), dbSNP rs1289685422, ClinGen allele CA391691642.

ClinVar aggregate classification (germline): Uncertain significance (1 of 4 stars; one submission).

Conditions:
Mosaic variegated aneuploidy syndrome 1 (MVA1). Also called: Warburton-Anyane-Yeboa syndrome. Identifiers: Orphanet 1052, MedGen C1850343, MONDO:0009759, OMIM 257300.

Allele frequency attached by ClinVar (database versions not stated): gnomAD exomes below 0.00001.

Submission:

Labcorp Genetics (formerly Invitae), Labcorp
Classification: Uncertain significance for Mosaic variegated aneuploidy syndrome 1. Last evaluated: 2020-10-14. Review status: criteria provided, single submitter. Criteria: Invitae Variant Classification Sherloc (09022015). Collection method: clinical testing. Allele origin: germline.
Comment: This sequence change replaces lysine with arginine at codon 562 of the BUB1B protein (p.Lys562Arg). The lysine residue is moderately conserved and there is a small physicochemical difference between lysine and arginine. This variant is not present in population databases (ExAC no frequency). This variant has not been reported in the literature in individuals with BUB1B-related conditions. Algorithms developed to predict the effect of missense changes on protein structure and function output the following: SIFT: "Tolerated"; PolyPhen-2: "Benign"; Align-GVGD: "Class C0". The arginine amino acid residue is found in multiple mammalian species, suggesting that this missense change does not adversely affect protein function. These predictions have not been confirmed by published functional studies and their clinical significance is uncertain. In summary, the available evidence is currently insufficient to determine the role of this variant in disease. Therefore, it has been classified as a Variant of Uncertain Significance.